The following is an entry in ClinVar:

NM_005144.5(HR):c.3191G>A (p.Arg1064His)

Gene: HR (HR lysine demethylase and nuclear receptor corepressor; minus strand). Cytogenetic location: 8p21.3.
Variant type: single nucleotide variant.
Coding change: c.3191G>A on transcript NM_005144.5 (MANE Select); coding-DNA position 3191, G replaced by A.
Protein change: p.Arg1064His; replaces arginine 1064 with histidine.
Molecular consequence: missense variant.
Genome position (GRCh38, 1-based): chr8:22,118,972, C>T on the plus strand (G>A on the coding strand, the complement: HR is on the minus strand). VCF-style: chr8-22118972-C-T. GRCh37 (hg19) VCF-style: chr8-21976485-C-T.
Other names: c.3191G>A, p.Arg1064His (NM_018411.4); short protein forms R1064H.
Identifiers: ClinVar variation 3611824 (VCV003611824.2).
Genomic context (GRCh38, chr8:22,118,972, plus strand): 5'-GGCGGGGGGAAGGGGAGGGCTCCCGGCTGCCTCCTCACCATCTGGAGAAAGCGGCGGATG[C>T]GCTGGGCGTCCTGTGCCCGGAACACGTGCCACACAGTGCTGACCTGGCTGCCCGGAGACC-3'
Protein context (NP_005135.2, residues 1054-1074): WHVFRAQDAQ[Arg1064His]IRRFLQMVCP

ClinVar aggregate classification (germline): Uncertain significance (1 of 4 stars; one submission).

gnomAD v4.1: 16 of 1,611,728 alleles (0.00099%); highest among the groups gnomAD compares: South Asian, 0.0099%; no homozygotes.

Submission:

Labcorp Genetics (formerly Invitae), Labcorp
Classification: Uncertain significance. Last evaluated: 2025-01-20. Review status: criteria provided, single submitter. Criteria: Invitae Variant Classification Sherloc (09022015). Collection method: clinical testing. Allele origin: germline.
Comment: This sequence change replaces arginine, which is basic and polar, with histidine, which is basic and polar, at codon 1064 of the HR protein (p.Arg1064His). This variant is present in population databases (rs763685880, gnomAD 0.01%). This variant has not been reported in the literature in individuals affected with HR-related conditions. An algorithm developed to predict the effect of missense changes on protein structure and function (PolyPhen-2) suggests that this variant is likely to be disruptive. In summary, the available evidence is currently insufficient to determine the role of this variant in disease. Therefore, it has been classified as a Variant of Uncertain Significance.